The following is an entry in ClinVar:

ClinVar aggregate classification (germline): Pathogenic/Likely pathogenic. Review status: criteria provided, multiple submitters, no conflicts (2 of 4 stars). 2 submissions from 2 submitters: Pathogenic (1); Likely pathogenic (1). Last evaluated 2025-03-07.

Conditions:
Nemaline myopathy. Also called: Myopathies, Nemaline. Identifiers: Orphanet 607, MedGen C0206157, MONDO:0018958.
Nemaline myopathy 2 (NEM2). Also called: Nemaline myopathy 2, autosomal recessive. Identifiers: MedGen C1850569, MONDO:0009725, OMIM 256030.

Allele frequency attached by ClinVar (database versions not stated): gnomAD exomes below 0.00001.
gnomAD v4.1: 1 of 1,606,024 alleles (0.000062%); highest among the groups gnomAD compares: Non-Finnish European, 0.000085%; no homozygotes.

Submissions (2):

Broad Center for Mendelian Genomics, Broad Institute of MIT and Harvard
Classification: Likely pathogenic for Nemaline myopathy. Last evaluated: 2025-03-07. Review status: criteria provided, single submitter. Criteria: ACMG Guidelines, 2015. Collection method: curation. Allele origin: germline. Inheritance: Autosomal recessive inheritance.
Comment: The p.Gln6261Ter variant in NEB has not been previously reported in the literature in individuals with nemaline myopathy, but has been identified in 0.00009% (1/1175774) of European (non-Finnish) chromosomes by the Genome Aggregation Database (gnomAD). Although this variant has been seen in the general population in a heterozygous state, its frequency is low enough to be consistent with a recessive carrier frequency. This variant has also been reported in ClinVar (Variation ID: 1928290 ) and has been interpreted as pathogenic by Invitae. This nonsense variant leads to a premature termination codon at position 6261, which is predicted to lead to a truncated or absent protein. Loss of function of the NEB gene is an established disease mechanism in autosomal recessive nemaline myopathy. In summary, although additional studies are required to fully establish its clinical significance, this variant is likely pathogenic for autosomal recessive nemaline myopathy. ACMG/AMP Criteria applied: PVS1, PM2_supporting (Richards 2015).

Labcorp Genetics (formerly Invitae), Labcorp
Classification: Pathogenic for Nemaline myopathy 2. Last evaluated: 2022-06-25. Review status: criteria provided, single submitter. Criteria: Invitae Variant Classification Sherloc (09022015). Collection method: clinical testing. Allele origin: germline.
Comment: For these reasons, this variant has been classified as Pathogenic. This variant has not been reported in the literature in individuals affected with NEB-related conditions. This variant is not present in population databases (gnomAD no frequency). This sequence change creates a premature translational stop signal (p.Gln6261*) in the NEB gene. It is expected to result in an absent or disrupted protein product. Loss-of-function variants in NEB are known to be pathogenic (PMID: 25205138).

Literature cited by the submitters: PubMed 25205138 (cited by Labcorp Genetics (formerly Invitae), Labcorp).

NM_001164508.2(NEB):c.18781C>T (p.Gln6261Ter)

Gene: NEB (nebulin; minus strand). Cytogenetic location: 2q23.3.
Variant type: single nucleotide variant.
Coding change: c.18781C>T on transcript NM_001164508.2 (MANE Select); coding-DNA position 18781, C replaced by T.
Protein change: p.Gln6261Ter; replaces glutamine 6261 with a stop codon.
Molecular consequence: nonsense.
Genome position (GRCh38, 1-based): chr2:151,562,721, G>A on the plus strand (C>T on the coding strand, the complement: NEB is on the minus strand). VCF-style: chr2-151562721-G-A. GRCh37 (hg19) VCF-style: chr2-152419235-G-A.
Other names: NM_001164508.2(NEB):c.18781C>T; p.Gln6261Ter; c.18781C>T, p.Gln6261Ter (NM_001164507.2, NM_001271208.2); c.13678C>T, p.Gln4560Ter (NM_004543.5); short protein forms Q4560*, Q6261*.
Identifiers: ClinVar variation 1928290 (VCV001928290.6), dbSNP rs2552190528, ClinGen allele CA348798035.
Genomic context (GRCh38, chr2:151,562,721, plus strand): 5'-CCAGAAGAGACGTCCACTGGTGGAAATAGTGTCGATACTCCAGGTCACTGAGGATGTACT[G>A]GCACCTTTTAGCCAGCACGTGATTCATCATGTCATTGGGGATATGAACATTTGCTTTGGT-3'